The following is an entry in ClinVar:

NM_001277115.2(DNAH11):c.4438C>T (p.Arg1480Ter)

Gene: DNAH11 (dynein axonemal heavy chain 11; plus strand). Cytogenetic location: 7p15.3.
Variant type: single nucleotide variant.
Coding change: c.4438C>T on transcript NM_001277115.2 (MANE Select); coding-DNA position 4438, C replaced by T.
Protein change: p.Arg1480Ter; replaces arginine 1480 with a stop codon.
Molecular consequence: nonsense.
Genome position (GRCh38, 1-based): chr7:21,620,016, C>T. VCF-style: chr7-21620016-C-T. GRCh37 (hg19) VCF-style: chr7-21659634-C-T.
Other names: short protein forms R1480*.
Identifiers: ClinVar variation 238918 (VCV000238918.15), dbSNP rs72657321, ClinGen allele CA4180047.

ClinVar aggregate classification (germline): Pathogenic. Review status: criteria provided, multiple submitters, no conflicts (2 of 4 stars). 3 submissions from 3 submitters: Pathogenic (3). Last evaluated 2026-09-12.

Conditions:
Primary ciliary dyskinesia. Also called: Ciliary dyskinesia. Identifiers: Orphanet 244, MedGen C0008780, MONDO:0016575, HP:0012265.
Primary ciliary dyskinesia 7. Also called: CILIARY DYSKINESIA, PRIMARY, 7, WITH OR WITHOUT SITUS INVERSUS. Identifiers: Orphanet 244, MedGen C2678473, MONDO:0012748, OMIM 611884.

Allele frequency attached by ClinVar (database versions not stated): TOPMed 0.00005; ExAC 0.00001; gnomAD exomes 0.00001; gnomAD 0.00003.
gnomAD v4.1: 52 of 1,609,380 alleles (0.0032%); highest among the groups gnomAD compares: African/African-American, 0.0053%; no homozygotes.

Submissions (3):

GeneDx
Classification: Pathogenic. Last evaluated: 2026-09-12. Review status: criteria provided, single submitter. Criteria: GeneDx Variant Classification Process June 2021. Collection method: clinical testing. Allele origin: germline.
Comment: Nonsense variant predicted to result in protein truncation or nonsense mediated decay in a gene for which loss of function is a known mechanism of disease; This variant is associated with the following publications: (PMID: 23891469, 31589614, 31879361, 39536325, 28991257, 22184204, 35728977)

Labcorp Genetics (formerly Invitae), Labcorp
Classification: Pathogenic for Primary ciliary dyskinesia. Last evaluated: 2025-12-02. Review status: criteria provided, single submitter. Criteria: Invitae Variant Classification Sherloc (09022015). Collection method: clinical testing. Allele origin: germline.
Comment: This sequence change creates a premature translational stop signal (p.Arg1480*) in the DNAH11 gene. It is expected to result in an absent or disrupted protein product. Loss-of-function variants in DNAH11 are known to be pathogenic (PMID: 18022865, 20513915, 22184204). This variant is present in population databases (rs72657321, gnomAD 0.008%). This premature translational stop signal has been observed in individuals with primary ciliary dyskinesia (PMID: 22184204, 31879361). It has also been observed to segregate with disease in related individuals. ClinVar contains an entry for this variant (Variation ID: 238918). For these reasons, this variant has been classified as Pathogenic.

Women's Health and Genetics/Laboratory Corporation of America, LabCorp
Classification: Pathogenic for Primary ciliary dyskinesia 7. Last evaluated: 2024-10-16. Review status: criteria provided, single submitter. Criteria: LabCorp Variant Classification Summary - May 2015. Collection method: clinical testing. Allele origin: germline.
Comment: Variant summary: DNAH11 c.4438C>T (p.Arg1480X) results in a premature termination codon, predicted to cause absence of the protein due to nonsense mediated decay, which is a commonly known mechanism for disease. The variant allele was found at a frequency of 1.2e-05 in 246234 control chromosomes. c.4438C>T has been reported in the literature in at-least one individual affected with Primary Ciliary Dyskinesia (example, Knowles_2011). These data indicate that the variant may be associated with disease. To our knowledge, no experimental evidence demonstrating an impact on protein function has been reported. The following publication have been ascertained in the context of this evaluation (PMID: 22184204). ClinVar contains an entry for this variant (Variation ID: 238918). Based on the evidence outlined above, the variant was classified as pathogenic.

Literature cited by the submitters: PubMed 18022865 (cited by Labcorp Genetics (formerly Invitae), Labcorp); PubMed 20513915 (cited by Labcorp Genetics (formerly Invitae), Labcorp); PubMed 22184204 (cited by Labcorp Genetics (formerly Invitae), Labcorp and Women's Health and Genetics/Laboratory Corporation of America, LabCorp); PubMed 31879361 (cited by Labcorp Genetics (formerly Invitae), Labcorp).